The following is an entry in ClinVar:

ClinVar aggregate classification (germline): Uncertain significance. Review status: criteria provided, multiple submitters, no conflicts (2 of 4 stars). 2 submissions from 2 submitters: Uncertain significance (2). Last evaluated 2025-08-25.

Conditions:
Inborn genetic diseases. Identifiers: MedGen C0950123, MeSH D030342.

Allele frequency attached by ClinVar (database versions not stated): ExAC 0.00001; gnomAD 0.00001; TOPMed 0.00001; gnomAD exomes 0.00002.
gnomAD v4.1: 13 of 1,613,796 alleles (0.00081%); highest among the groups gnomAD compares: Non-Finnish European, 0.001%; no homozygotes.

Submissions (2):

Ambry Genetics
Classification: Uncertain significance for Inborn genetic diseases. Last evaluated: 2025-08-25. Review status: criteria provided, single submitter. Criteria: Ambry Variant Classification Scheme 2023. Collection method: clinical testing. Allele origin: germline.

Labcorp Genetics (formerly Invitae), Labcorp
Classification: Uncertain significance. Last evaluated: 2021-10-23. Review status: criteria provided, single submitter. Criteria: Invitae Variant Classification Sherloc (09022015). Collection method: clinical testing. Allele origin: germline.
Comment: This sequence change replaces serine with arginine at codon 543 of the SLC4A11 protein (p.Ser543Arg). The serine residue is weakly conserved and there is a moderate physicochemical difference between serine and arginine. This variant is present in population databases (rs765804145, ExAC 0.002%). This variant has not been reported in the literature in individuals with SLC4A11-related disease. Algorithms developed to predict the effect of missense changes on protein structure and function are either unavailable or do not agree on the potential impact of this missense change (SIFT: "Tolerated"; PolyPhen-2: "Possibly Damaging"; Align-GVGD: "Class C0"). In summary, the available evidence is currently insufficient to determine the role of this variant in disease. Therefore, it has been classified as a Variant of Uncertain Significance.

NM_001174089.2(SLC4A11):c.1581C>A (p.Ser527Arg)

Gene: SLC4A11 (solute carrier family 4 member 11; minus strand). Cytogenetic location: 20p13.
Variant type: single nucleotide variant.
Coding change: c.1581C>A on transcript NM_001174089.2 (MANE Select); coding-DNA position 1581, C replaced by A.
Protein change: p.Ser527Arg; replaces serine 527 with arginine.
Molecular consequence: missense variant. On other transcripts: non-coding transcript variant (3).
Genome position (GRCh38, 1-based): chr20:3,229,685, G>T on the plus strand (C>A on the coding strand, the complement: SLC4A11 is on the minus strand). VCF-style: chr20-3229685-G-T. GRCh37 (hg19) VCF-style: chr20-3210331-G-T.
Other names: c.1629C>A (NM_032034.3); c.1710C>A, p.Ser570Arg (NM_001174090.2); c.1467C>A, p.Ser489Arg (NM_001363745.2); c.1524C>A, p.Ser508Arg (NM_001400277.1, NM_001400278.1, NM_001400279.1); c.1596C>A, p.Ser532Arg (NM_001400280.1); c.1629C>A, p.Ser543Arg (NM_032034.4); short protein forms S532R, S543R, S527R, S570R, S489R, S508R.
Identifiers: ClinVar variation 2139108 (VCV002139108.2), dbSNP rs765804145, ClinGen allele CA9741785.